The following is an entry in ClinVar:

NM_004629.2(FANCG):c.1825del (p.Glu610fs)

Gene: FANCG (FA complementation group G; minus strand). Cytogenetic location: 9p13.3.
Variant type: Deletion.
Coding change: c.1825del on transcript NM_004629.2 (MANE Select); coding-DNA position 1825, one base deleted (C; older notation c.1825delC).
Protein change: p.Glu610fs; shifts the reading frame from glutamic acid 610.
Molecular consequence: frameshift variant.
Genome position (GRCh38, 1-based): chr9:35,074,152, G deleted on the plus strand (C on the coding strand, the reverse complement: FANCG is on the minus strand); the first of 2 consecutive G bases (chr9:35,074,152-35,074,153); deleting either gives the same sequence. VCF-style (leftmost placement, unchanged base first): chr9-35074151-AG-A. GRCh37 (hg19) VCF-style: chr9-35074148-AG-A.
Other names: short protein forms E610fs.
Identifiers: ClinVar variation 2190253 (VCV002190253.1), dbSNP rs1829031083, ClinGen allele CA1845862056.

ClinVar aggregate classification (germline): Uncertain significance (1 of 4 stars; one submission).

Conditions:
Fanconi anemia (FA). Also called: Fanconi's anemia. Identifiers: Orphanet 84, MedGen C0015625, MeSH D005199, MONDO:0019391.

Submission:

Labcorp Genetics (formerly Invitae), Labcorp
Classification: Uncertain significance for Fanconi anemia. Last evaluated: 2022-07-30. Review status: criteria provided, single submitter. Criteria: Invitae Variant Classification Sherloc (09022015). Collection method: clinical testing. Allele origin: germline.
Comment: This sequence change creates a premature translational stop signal (p.Glu610Lysfs*41) in the FANCG gene. While this is not anticipated to result in nonsense mediated decay, it is expected to disrupt the last 13 amino acid(s) of the FANCG protein. This variant is not present in population databases (gnomAD no frequency). This variant has not been reported in the literature in individuals affected with FANCG-related conditions. In summary, the available evidence is currently insufficient to determine the role of this variant in disease. Therefore, it has been classified as a Variant of Uncertain Significance.